The following is an entry in ClinVar:

NM_000268.4(NF2):c.1447-1G>A

Gene: NF2 (NF2, moesin-ezrin-radixin like (MERLIN) tumor suppressor; plus strand). Cytogenetic location: 22q12.2.
Variant type: single nucleotide variant.
Coding change: c.1447-1G>A on transcript NM_000268.4 (MANE Select); the canonical splice acceptor site of the intron before coding-DNA position 1447, G replaced by A.
Molecular consequence: splice acceptor variant. On other transcripts: intron variant (1).
Genome position (GRCh38, 1-based): chr22:29,678,195, G>A. VCF-style: chr22-29678195-G-A. GRCh37 (hg19) VCF-style: chr22-30074184-G-A.
Other names: c.1447-1G>A (NM_016418.5, NM_181832.3, NM_001407060.1 and 2 more transcripts); c.1333-1G>A (NM_001407056.1, NM_001407053.1); c.1216-1G>A (NM_001407067.1); c.913-1G>A (NM_001407065.1); c.1312-1G>A (NM_001407059.1, NM_001407057.1); c.448-16557G>A (NM_181833.3); c.1324-1G>A (NM_001407058.1, NM_181829.3, NM_001407054.1); c.1189-1G>A (NM_001407062.1); and 2 more.
Identifiers: ClinVar variation 1455260 (VCV001455260.8), dbSNP rs2147107697, ClinGen allele CA411149533.

ClinVar aggregate classification (germline): Pathogenic. Review status: criteria provided, multiple submitters, no conflicts (2 of 4 stars). 2 submissions from 2 submitters: Pathogenic (2). Last evaluated 2026-01-16.

Conditions:
Neurofibromatosis, type 2 (SWNV). Also called: BILATERAL ACOUSTIC NEUROFIBROMATOSIS; SCHWANNOMATOSIS, VESTIBULAR; NF2-Related Schwannomatosis. Identifiers: Orphanet 637, MedGen C0027832, MONDO:0007039, OMIM 101000. Disease mechanism: loss of function.

Submissions (2):

Labcorp Genetics (formerly Invitae), Labcorp
Classification: Pathogenic for Neurofibromatosis, type 2. Last evaluated: 2026-01-16. Review status: criteria provided, single submitter. Criteria: Invitae Variant Classification Sherloc (09022015). Collection method: clinical testing. Allele origin: germline.
Comment: This sequence change affects an acceptor splice site in intron 13 of the NF2 gene. It is expected to disrupt RNA splicing. Variants that disrupt the donor or acceptor splice site typically lead to a loss of protein function (PMID: 16199547), and loss-of-function variants in NF2 are known to be pathogenic (PMID: 9643284, 16983642). This variant is not present in population databases (gnomAD no frequency). Disruption of this splice site has been observed in individuals with neurofibromatosis, type 2 (PMID: 21563229). This variant is also known as IVS13-1G>A. ClinVar contains an entry for this variant (Variation ID: 1455260). Algorithms developed to predict the effect of sequence changes on RNA splicing suggest that this variant may disrupt the consensus splice site. For these reasons, this variant has been classified as Pathogenic.

ENT and Head and Neck Research Center and Department,  The Five Senses Health Institute, Iran University of Medical Sciences
Classification: Pathogenic for Neurofibromatosis, type 2. Last evaluated: 2024-08-18. Review status: criteria provided, single submitter. Criteria: ACMG Guidelines, 2015. Collection method: clinical testing. Allele origin: germline. Affected: yes.
Comment: PVS1: Null variant (intronic within ±2 of splice site) in gene NF2. Loss-of-function is a known mechanism of disease (gene has 273 reported pathogenic LOF variants). PP5: Combined evidence strength is Strong (score = 4).Strong: ClinVar classifies this variant as Pathogenic, 1 star (reviewed Feb '24, 1 submission of which 1 is from high confidence submitter), citing 3 articles (21563229,16983642 and 9643284). PM2: Variant not found in gnomAD genomes, good gnomAD genomes coverage = 31.2.Variant not found in gnomAD exomes, good gnomAD exomes coverage = 42.2.

Literature cited by the submitters: PubMed 16199547 (cited by Labcorp Genetics (formerly Invitae), Labcorp); PubMed 9643284 (cited by Labcorp Genetics (formerly Invitae), Labcorp and ENT and Head and Neck Research Center and Department,  The Five Senses Health Institute, Iran University of Medical Sciences); PubMed 16983642 (cited by Labcorp Genetics (formerly Invitae), Labcorp); PubMed 21563229 (cited by Labcorp Genetics (formerly Invitae), Labcorp); PubMed 40249415 (cited by ENT and Head and Neck Research Center and Department,  The Five Senses Health Institute, Iran University of Medical Sciences).